The following is an entry in ClinVar:

NM_000254.3(MTR):c.-321C>G

Genes: MTR (5-methyltetrahydrofolate-homocysteine methyltransferase; plus strand), LOC129932885 (ATAC-STARR-seq lymphoblastoid active region 2826; plus strand). Cytogenetic location: 1q43.
Variant type: single nucleotide variant.
Coding change: c.-321C>G on transcript NM_000254.3 (MANE Select); 321 bases upstream of the start codon, C replaced by G.
Molecular consequence: 5 prime UTR variant.
Genome position (GRCh38, 1-based): chr1:236,795,383, C>G. VCF-style: chr1-236795383-C-G. GRCh37 (hg19) VCF-style: chr1-236958683-C-G.
Other names: c.-321C>G (NM_001291939.1); c.-1429C>G (NM_001291940.2).
Identifiers: ClinVar variation 296536 (VCV000296536.6), dbSNP rs187186973, ClinGen allele CA1473532.
Genomic context (GRCh38, chr1:236,795,383, plus strand): 5'-GTCTGCGGGGCTCAGAGCCGGATGTCACGTCGTCCTCCTCTGCCGGTTTTCTCTTGGGTC[C>G]TTTTCCGTGCCGTCCCGCGACTCCGCCTCTGGCCGCGCGTGTCTGGCTGCTAGGCCGACA-3'

ClinVar aggregate classification (germline): Likely benign. Review status: criteria provided, multiple submitters, no conflicts (2 of 4 stars). 2 submissions from 2 submitters: Likely benign (2). Last evaluated 2021-05-19.

Conditions:
Disorders of Intracellular Cobalamin Metabolism. Identifiers: MedGen CN043592.

Allele frequency attached by ClinVar (database versions not stated): ExAC 0.00068; gnomAD 0.00078 and 0.00085; TOPMed 0.00100; gnomAD exomes 0.00195; 1000 Genomes Project 0.00240; 1000 Genomes Project 30x 0.00265.
gnomAD v4.1: 607 of 1,403,430 alleles (0.043%); highest among the groups gnomAD compares: East Asian, 1.4%; 5 homozygotes.

Submissions (2):

GeneDx
Classification: Likely benign. Last evaluated: 2021-05-19. Review status: criteria provided, single submitter. Criteria: GeneDx Variant Classification Process June 2021. Collection method: clinical testing. Allele origin: germline. Affected: yes.

Illumina Laboratory Services, Illumina
Classification: Likely benign for Disorders of Intracellular Cobalamin Metabolism. Last evaluated: 2018-01-12. Review status: criteria provided, single submitter. Criteria: ICSL Variant Classification Criteria 13 December 2019. Collection method: clinical testing. Allele origin: germline.
Comment: This variant was observed in the ICSL laboratory as part of a predisposition screen in an ostensibly healthy population. It had not been previously curated by ICSL or reported in the Human Gene Mutation Database (HGMD: prior to June 1st, 2018), and was therefore a candidate for classification through an automated scoring system. Utilizing variant allele frequency, disease prevalence and penetrance estimates, and inheritance mode, an automated score was calculated to assess if this variant is too frequent to cause the disease. Based on the score and internal cut-off values, a variant classified as likely benign is not then subjected to further curation. The score for this variant resulted in a classification of likely benign for this disease.